The following is an entry in ClinVar:

NM_015205.3(ATP11A):c.80A>G (p.Tyr27Cys)

Gene: ATP11A (ATPase phospholipid transporting 11A; plus strand). Cytogenetic location: 13q34.
Variant type: single nucleotide variant.
Coding change: c.80A>G on transcript NM_015205.3 (MANE Select); coding-DNA position 80, A replaced by G.
Protein change: p.Tyr27Cys; replaces tyrosine 27 with cysteine.
Molecular consequence: missense variant.
Genome position (GRCh38, 1-based): chr13:112,785,175, A>G. VCF-style: chr13-112785175-A-G. GRCh37 (hg19) VCF-style: chr13-113439489-A-G.
Other names: c.80A>G, p.Tyr27Cys (NM_001405661.1, NM_001405662.1, NM_001405663.1 and 1 more transcripts); c.80A>G (NM_032189.3); short protein forms Y27C.
Identifiers: ClinVar variation 2582641 (VCV002582641.2), dbSNP rs200309535, ClinGen allele CA7056210.

ClinVar aggregate classification (germline): Conflicting classifications of pathogenicity. Review status: criteria provided, conflicting classifications (1 of 4 stars). 2 submissions from 2 submitters: Uncertain significance (1); Likely benign (1). Last evaluated 2025-10-15.

Conditions:
ATP11A-related disorder. Also called: ATP11A-related condition.
Hearing loss, autosomal dominant 84. Also called: DEAFNESS, AUTOSOMAL DOMINANT 84. Identifiers: MedGen C5676952, MONDO:0030724, OMIM 619810.

Allele frequency attached by ClinVar (database versions not stated): TOPMed 0.00002; ExAC 0.00003; gnomAD 0.00003; gnomAD exomes 0.00003.
gnomAD v4.1: 54 of 1,577,586 alleles (0.0034%); highest among the groups gnomAD compares: Non-Finnish European, 0.0034%; no homozygotes.

Submissions (2):

PreventionGenetics, part of Exact Sciences
Classification: Likely benign for ATP11A-related condition. Last evaluated: 2025-10-15. Review status: criteria provided, single submitter. Criteria: ACMG Guidelines, 2015. Collection method: clinical testing. Allele origin: germline.
Comment: This variant is classified as likely benign based on ACMG/AMP sequence variant interpretation guidelines (Richards et al. 2015 PMID: 25741868, with internal and published modifications).

Baylor Genetics
Classification: Uncertain significance for Hearing loss, autosomal dominant 84. Last evaluated: 2023-03-24. Review status: criteria provided, single submitter. Criteria: ACMG Guidelines, 2015. Collection method: clinical testing. Allele origin: unknown.